The following is an entry in ClinVar:

ClinVar aggregate classification (germline): Uncertain significance (1 of 4 stars; one submission).

gnomAD v4.1: 11 of 1,614,144 alleles (0.00068%); highest among the groups gnomAD compares: African/African-American, 0.004%; no homozygotes.

Submission:

Labcorp Genetics (formerly Invitae), Labcorp
Classification: Uncertain significance. Last evaluated: 2022-10-25. Review status: criteria provided, single submitter. Criteria: Invitae Variant Classification Sherloc (09022015). Collection method: clinical testing. Allele origin: germline.
Comment: This sequence change replaces valine, which is neutral and non-polar, with methionine, which is neutral and non-polar, at codon 539 of the HPS4 protein (p.Val539Met). This variant is not present in population databases (gnomAD no frequency). This variant has not been reported in the literature in individuals affected with HPS4-related conditions. Algorithms developed to predict the effect of missense changes on protein structure and function output the following: SIFT: "Tolerated"; PolyPhen-2: "Benign"; Align-GVGD: "Class C0". The methionine amino acid residue is found in multiple mammalian species, which suggests that this missense change does not adversely affect protein function. In summary, the available evidence is currently insufficient to determine the role of this variant in disease. Therefore, it has been classified as a Variant of Uncertain Significance.

NM_022081.6(HPS4):c.1615G>A (p.Val539Met)

Gene: HPS4 (HPS4 biogenesis of lysosomal organelles complex 3 subunit 2; minus strand). Cytogenetic location: 22q12.1.
Variant type: single nucleotide variant.
Coding change: c.1615G>A on transcript NM_022081.6 (MANE Select); coding-DNA position 1615, G replaced by A.
Protein change: p.Val539Met; replaces valine 539 with methionine.
Molecular consequence: missense variant. On other transcripts: non-coding transcript variant (8).
Genome position (GRCh38, 1-based): chr22:26,464,015, C>T on the plus strand (G>A on the coding strand, the complement: HPS4 is on the minus strand). VCF-style: chr22-26464015-C-T. GRCh37 (hg19) VCF-style: chr22-26859981-C-T.
Other names: c.1615G>A, p.Val539Met (NM_001349896.1, NM_001349898.2, NM_001349899.2 and 5 more transcripts); c.1669G>A, p.Val557Met (NM_001349900.2, NM_001349901.1); c.1600G>A, p.Val534Met (NM_152841.2); short protein forms V557M, V539M, V534M.
Identifiers: ClinVar variation 2170376 (VCV002170376.1), dbSNP rs116241923, ClinGen allele CA411026070.